The following is an entry in ClinVar:

ClinVar aggregate classification (germline): Likely pathogenic (1 of 4 stars; one submission).

Conditions:
Primary ciliary dyskinesia. Also called: Ciliary dyskinesia. Identifiers: Orphanet 244, MedGen C0008780, MONDO:0016575, HP:0012265.

gnomAD v4.1: 1 of 1,614,038 alleles (0.000062%); no homozygotes.

Submission:

Natera, Inc.
Classification: Likely pathogenic for Primary ciliary dyskinesia. Last evaluated: 2024-06-10. Review status: criteria provided, single submitter. Criteria: Natera Variant Classification Schema (03/2026). Collection method: clinical testing. Allele origin: germline.
Comment: The c.1936C>T variant in DNAH5 is a nonsense variant predicted to introduce a stop codon at amino acid 646. This variant is expected to result in nonsense mediated decay, truncation, or a dysfunctional protein product. This variant is rare in the general population with a frequency below the threshold expected for the associated phenotype(s). Given the available evidence, this variant is classified as Likely Pathogenic.

NM_001369.3(DNAH5):c.1936C>T (p.Gln646Ter)

Gene: DNAH5 (dynein axonemal heavy chain 5; minus strand). Cytogenetic location: 5p15.2.
Variant type: single nucleotide variant.
Coding change: c.1936C>T on transcript NM_001369.3 (MANE Select); coding-DNA position 1936, C replaced by T.
Protein change: p.Gln646Ter; replaces glutamine 646 with a stop codon.
Molecular consequence: nonsense.
Genome position (GRCh38, 1-based): chr5:13,901,368, G>A on the plus strand (C>T on the coding strand, the complement: DNAH5 is on the minus strand). VCF-style: chr5-13901368-G-A. GRCh37 (hg19) VCF-style: chr5-13901477-G-A.
Other names: short protein forms Q646*.
Identifiers: ClinVar variation 4814873 (VCV004814873.1).